The following is an entry in ClinVar:

NM_004974.4(KCNA2):c.16G>A (p.Gly6Arg)

Gene: KCNA2 (potassium voltage-gated channel subfamily A member 2; minus strand). Cytogenetic location: 1p13.3.
Variant type: single nucleotide variant.
Coding change: c.16G>A on transcript NM_004974.4 (MANE Select); coding-DNA position 16, G replaced by A.
Protein change: p.Gly6Arg; replaces glycine 6 with arginine.
Molecular consequence: missense variant.
Genome position (GRCh38, 1-based): chr1:110,604,767, C>T on the plus strand (G>A on the coding strand, the complement: KCNA2 is on the minus strand). VCF-style: chr1-110604767-C-T. GRCh37 (hg19) VCF-style: chr1-111147389-C-T.
Other names: c.16G>A, p.Gly6Arg (NM_001204269.2); c.16G>A (NM_004974.3); short protein forms G6R.
Identifiers: ClinVar variation 1936313 (VCV001936313.8), dbSNP rs770338663, ClinGen allele CA28809338.

ClinVar aggregate classification (germline): Conflicting classifications of pathogenicity. Review status: criteria provided, conflicting classifications (1 of 4 stars). 3 submissions from 3 submitters: Uncertain significance (2); Likely benign (1). Last evaluated 2024-10-03.

Conditions:
Developmental and epileptic encephalopathy, 32 (DEE32). Also called: Epileptic encephalopathy, early infantile, 32. Identifiers: Orphanet 442835, MedGen C4225350, MONDO:0014607, OMIM 616366.
Autism spectrum disorder. Also called: Autism spectrum disorders. Identifiers: MedGen C1510586, MeSH D000067877, MONDO:0005258.

Allele frequency attached by ClinVar (database versions not stated): gnomAD exomes below 0.00001; TOPMed below 0.00001.
gnomAD v4.1: 5 of 1,612,784 alleles (0.00031%); highest among the groups gnomAD compares: South Asian, 0.0022%; no homozygotes.

Submissions (3):

Blueprint Genetics
Classification: Uncertain significance. Last evaluated: 2024-10-03. Review status: criteria provided, single submitter. Criteria: ACMG Guidelines, 2015. Collection method: clinical testing. Allele origin: germline.

Labcorp Genetics (formerly Invitae), Labcorp
Classification: Uncertain significance for Developmental and epileptic encephalopathy, 32. Last evaluated: 2022-12-16. Review status: criteria provided, single submitter. Criteria: Invitae Variant Classification Sherloc (09022015). Collection method: clinical testing. Allele origin: germline.
Comment: In summary, the available evidence is currently insufficient to determine the role of this variant in disease. Therefore, it has been classified as a Variant of Uncertain Significance. Advanced modeling of protein sequence and biophysical properties (such as structural, functional, and spatial information, amino acid conservation, physicochemical variation, residue mobility, and thermodynamic stability) performed at Invitae indicates that this missense variant is not expected to disrupt KCNA2 protein function. This variant has not been reported in the literature in individuals affected with KCNA2-related conditions. This variant is not present in population databases (gnomAD no frequency). This sequence change replaces glycine, which is neutral and non-polar, with arginine, which is basic and polar, at codon 6 of the KCNA2 protein (p.Gly6Arg).

Department of Genetics, Rouen University Hospital, Normandy Center for Genomic and Personalized Medicine
Classification: Likely benign for Autism spectrum disorder. Last evaluated: 2022-07-05. Review status: criteria provided, single submitter. Criteria: ACMG Guidelines, 2015. Collection method: clinical testing. Allele origin: paternal. Affected: yes.